The following is an entry in ClinVar:

ClinVar aggregate classification (germline): Pathogenic (1 of 4 stars; one submission).

Submission:

GeneDx
Classification: Pathogenic. Last evaluated: 2023-04-03. Review status: criteria provided, single submitter. Criteria: GeneDx Variant Classification Process June 2021. Collection method: clinical testing. Allele origin: germline. Affected: yes.
Comment: Frameshift variant predicted to result in protein truncation or nonsense mediated decay in a gene for which loss of function is a known mechanism of disease; Not observed at significant frequency in large population cohorts (gnomAD); Has not been previously published as pathogenic or benign to our knowledge

NM_001127222.2(CACNA1A):c.2903del (p.Gly968fs)

Gene: CACNA1A (calcium voltage-gated channel subunit alpha1 A; minus strand). Cytogenetic location: 19p13.13.
Variant type: Deletion.
Coding change: c.2903del on transcript NM_001127222.2 (MANE Select); coding-DNA position 2903, one base deleted (G; older notation c.2903delG).
Protein change: p.Gly968fs; shifts the reading frame from glycine 968.
Molecular consequence: frameshift variant.
Genome position (GRCh38, 1-based): chr19:13,298,730, C deleted on the plus strand (G on the coding strand, the reverse complement: CACNA1A is on the minus strand); the first of 3 consecutive C bases (chr19:13,298,730-13,298,732); deleting any one gives the same sequence. VCF-style (leftmost placement, unchanged base first): chr19-13298729-AC-A. GRCh37 (hg19) VCF-style: chr19-13409543-AC-A.
Other names: c.2915del, p.Gly972fs (NM_000068.4, NM_023035.3); c.2906del, p.Gly969fs (NM_001127221.2, NM_001174080.2); c.2906delG (NM_001127221.1); c.2906del (NM_001127221.1); short protein forms G969fs, G972fs, G968fs.
Identifiers: ClinVar variation 503887 (VCV000503887.3), dbSNP rs1555755926, ClinGen allele CA658799157.
Genomic context (GRCh38, chr19:13,298,729, plus strand): 5'-GCCCCGGGCCGGCCGGCTGCCCTCGCGGTGCCGCGCCCTCCGCTCCGCCTTGTCCTCCGG[AC>A]CCTCCTCCCCGGGCCTGCGGTGCGCGCGATGACGTCGATGCTCCCCGTCCGCGCCCGTGC-3'